The following is an entry in ClinVar:

NM_000092.5(COL4A4):c.1803+4T>A

Gene: COL4A4 (collagen type IV alpha 4 chain; minus strand). Cytogenetic location: 2q36.3.
Variant type: single nucleotide variant.
Coding change: c.1803+4T>A on transcript NM_000092.5 (MANE Select); 4 bases into the intron after coding-DNA position 1803, T replaced by A.
Molecular consequence: intron variant.
Genome position (GRCh38, 1-based): chr2:227,080,439, A>T on the plus strand (T>A on the coding strand, the complement: COL4A4 is on the minus strand). VCF-style: chr2-227080439-A-T. GRCh37 (hg19) VCF-style: chr2-227945155-A-T.
Identifiers: ClinVar variation 3703252 (VCV003703252.2).
Genomic context (GRCh38, chr2:227,080,439, plus strand): 5'-AATAGTTGTTTGTATGACCATATAAGAAAGTGAAATTCTATAGCAAGAGAAGAATTCTAC[A>T]TACTGGAGGTCCTGGATCCCCTTTTTCTCCAGCATGTCCATCCCGACCATGTGATCCTGG-3'

ClinVar aggregate classification (germline): Uncertain significance (1 of 4 stars; one submission).

gnomAD v4.1: 3 of 1,611,130 alleles (0.00019%); highest among the groups gnomAD compares: Non-Finnish European, 0.00025%; no homozygotes.

Submission:

Labcorp Genetics (formerly Invitae), Labcorp
Classification: Uncertain significance. Last evaluated: 2024-06-09. Review status: criteria provided, single submitter. Criteria: Invitae Variant Classification Sherloc (09022015). Collection method: clinical testing. Allele origin: germline.
Comment: This sequence change falls in intron 24 of the COL4A4 gene. It does not directly change the encoded amino acid sequence of the COL4A4 protein. It affects a nucleotide within the consensus splice site. This variant is present in population databases (rs757567542, gnomAD 0.0009%). This variant has not been reported in the literature in individuals affected with COL4A4-related conditions. Variants that disrupt the consensus splice site are a relatively common cause of aberrant splicing (PMID: 17576681, 9536098). Algorithms developed to predict the effect of sequence changes on RNA splicing suggest that this variant is not likely to affect RNA splicing. In summary, the available evidence is currently insufficient to determine the role of this variant in disease. Therefore, it has been classified as a Variant of Uncertain Significance.

Literature cited by the submitters: PubMed 17576681; PubMed 9536098.